The following is an entry in ClinVar:

NM_023110.3(FGFR1):c.2414C>A (p.Pro805His)

Gene: FGFR1 (fibroblast growth factor receptor 1; minus strand). Cytogenetic location: 8p11.23.
Variant type: single nucleotide variant.
Coding change: c.2414C>A on transcript NM_023110.3 (MANE Select); coding-DNA position 2414, C replaced by A.
Protein change: p.Pro805His; replaces proline 805 with histidine.
Molecular consequence: missense variant. On other transcripts: intron variant (3).
Genome position (GRCh38, 1-based): chr8:38,413,683, G>T on the plus strand (C>A on the coding strand, the complement: FGFR1 is on the minus strand). VCF-style: chr8-38413683-G-T. GRCh37 (hg19) VCF-style: chr8-38271201-G-T.
Other names: c.2408C>A, p.Pro803His (NM_001174063.2, NM_001174065.2, NM_015850.4); c.2384C>A, p.Pro795His (NM_001174064.2); c.2147C>A, p.Pro716His (NM_001174066.2, NM_023105.3); c.2507C>A, p.Pro836His (NM_001174067.2); c.2135C>A, p.Pro712His (NM_001354368.2); c.2141C>A, p.Pro714His (NM_023106.3); c.2019+235C>A (NM_001354370.2); c.2286+235C>A (NM_001354367.2); and 1 more; short protein forms P712H, P714H, P716H, P795H, P803H, P805H, P836H.
Identifiers: ClinVar variation 1700534 (VCV001700534.3), dbSNP rs2150506099, ClinGen allele CA370726801.

ClinVar aggregate classification (germline): Uncertain significance. Review status: criteria provided, multiple submitters, no conflicts (2 of 4 stars). 2 submissions from 2 submitters: Uncertain significance (2). Last evaluated 2025-04-19.

Conditions:
Pfeiffer syndrome (ACS5). Also called: ACS V. Identifiers: Orphanet 710, MedGen C0220658, MONDO:0007043, OMIM 101600.
Hypogonadotropic hypogonadism 2 with or without anosmia (HH2). Also called: HYPOGONADOTROPIC HYPOGONADISM 2 WITH OR WITHOUT ANOSMIA, SUSCEPTIBILITY TO; HYPOGONADOTROPIC HYPOGONADISM 2 WITHOUT ANOSMIA, SUSCEPTIBILITY TO; HYPOGONADOTROPIC HYPOGONADISM 2 WITHOUT ANOSMIA; FGFR1-Related GnRH Deficiency (Kallmann Syndrome 2). Identifiers: Orphanet 478, MedGen C1563720, MONDO:0007844, OMIM 147950. Disease mechanism: loss of function.

gnomAD v4.1: 3 of 1,613,576 alleles (0.00019%); highest among the groups gnomAD compares: Middle Eastern, 0.017%; no homozygotes.

Submissions (2):

Labcorp Genetics (formerly Invitae), Labcorp
Classification: Uncertain significance for Pfeiffer syndrome; Hypogonadotropic hypogonadism 2 with or without anosmia. Last evaluated: 2025-04-19. Review status: criteria provided, single submitter. Criteria: Invitae Variant Classification Sherloc (09022015). Collection method: clinical testing. Allele origin: germline.
Comment: This sequence change replaces proline, which is neutral and non-polar, with histidine, which is basic and polar, at codon 805 of the FGFR1 protein (p.Pro805His). This variant is not present in population databases (gnomAD no frequency). This variant has not been reported in the literature in individuals affected with FGFR1-related conditions. ClinVar contains an entry for this variant (Variation ID: 1700534). Invitae Evidence Modeling of protein sequence and biophysical properties (such as structural, functional, and spatial information, amino acid conservation, physicochemical variation, residue mobility, and thermodynamic stability) has been performed for this missense variant. However, the output from this modeling did not meet the statistical confidence thresholds required to predict the impact of this variant on FGFR1 protein function. In summary, the available evidence is currently insufficient to determine the role of this variant in disease. Therefore, it has been classified as a Variant of Uncertain Significance.

GeneDx
Classification: Uncertain significance. Last evaluated: 2022-02-01. Review status: criteria provided, single submitter. Criteria: GeneDx Variant Classification Process June 2021. Collection method: clinical testing. Allele origin: germline. Affected: yes.
Comment: Not observed at significant frequency in large population cohorts (gnomAD); In silico analysis supports that this missense variant has a deleterious effect on protein structure/function; Has not been previously published as pathogenic or benign to our knowledge